The following is an entry in ClinVar:

ClinVar aggregate classification (germline): Uncertain significance. Review status: criteria provided, multiple submitters, no conflicts (2 of 4 stars). 2 submissions from 2 submitters: Uncertain significance (2). Last evaluated 2024-01-01.

Conditions:
Developmental and epileptic encephalopathy. Identifiers: MedGen C5779964, MONDO:0100620.

Allele frequency attached by ClinVar (database versions not stated): gnomAD exomes below 0.00001.
gnomAD v4.1: 3 of 1,613,594 alleles (0.00019%); highest among the groups gnomAD compares: Non-Finnish European, 0.00025%; no homozygotes.

Submissions (2):

Unidad de Genómica Garrahan, Hospital de Pediatría Garrahan
Classification: Uncertain significance for Developmental and epileptic encephalopathy. Last evaluated: 2024-01-01. Review status: criteria provided, single submitter. Criteria: ACMG Guidelines, 2015. Collection method: clinical testing. Allele origin: germline. Affected: yes. Observed: 1 variant allele.
Comment: ACMG/AMP criteria applied: PM2_supporting, PP2_supporting.

Labcorp Genetics (formerly Invitae), Labcorp
Classification: Uncertain significance. Last evaluated: 2023-08-10. Review status: criteria provided, single submitter. Criteria: Invitae Variant Classification Sherloc (09022015). Collection method: clinical testing. Allele origin: germline.
Comment: In summary, the available evidence is currently insufficient to determine the role of this variant in disease. Therefore, it has been classified as a Variant of Uncertain Significance. Experimental studies and prediction algorithms are not available or were not evaluated, and the functional significance of this variant is currently unknown. ClinVar contains an entry for this variant (Variation ID: 1479400). This variant has not been reported in the literature in individuals affected with CYFIP2-related conditions. This variant is not present in population databases (gnomAD no frequency). This sequence change replaces proline, which is neutral and non-polar, with serine, which is neutral and polar, at codon 1068 of the CYFIP2 protein (p.Pro1068Ser).

NM_001037333.3(CYFIP2):c.3202C>T (p.Pro1068Ser)

Genes: CYFIP2 (cytoplasmic FMR1 interacting protein 2; plus strand), NIPAL4-DT (NIPAL4 divergent transcript; minus strand). Cytogenetic location: 5q33.3.
Variant type: single nucleotide variant.
Coding change: c.3202C>T on transcript NM_001037333.3 (MANE Select); coding-DNA position 3202, C replaced by T.
Protein change: p.Pro1068Ser; replaces proline 1068 with serine.
Molecular consequence: missense variant.
Genome position (GRCh38, 1-based): chr5:157,383,354, C>T. VCF-style: chr5-157383354-C-T. GRCh37 (hg19) VCF-style: chr5-156810362-C-T.
Other names: NP_001032410.1:p.(Pro1068Ser); c.3124C>T, p.Pro1042Ser (NM_001291721.2); c.3277C>T, p.Pro1093Ser (NM_001291722.2); c.3202C>T, p.Pro1068Ser (NM_014376.4); short protein forms P1042S, P1068S, P1093S.
Identifiers: ClinVar variation 1479400 (VCV001479400.7), dbSNP rs2113516637, ClinGen allele CA361981427.